The following is an entry in ClinVar:

ClinVar aggregate classification (germline): Uncertain significance. Review status: criteria provided, multiple submitters, no conflicts (2 of 4 stars). 2 submissions from 2 submitters: Uncertain significance (2). Last evaluated 2023-10-10.

Conditions:
Inborn genetic diseases. Identifiers: MedGen C0950123, MeSH D030342.

Allele frequency attached by ClinVar (database versions not stated): ExAC 0.00001.
gnomAD v4.1: 13 of 1,613,792 alleles (0.00081%); highest among the groups gnomAD compares: Middle Eastern, 0.016%; no homozygotes.

Submissions (2):

Ambry Genetics
Classification: Uncertain significance for Inborn genetic diseases. Last evaluated: 2023-10-10. Review status: criteria provided, single submitter. Criteria: Ambry Variant Classification Scheme 2023. Collection method: clinical testing. Allele origin: germline.

Labcorp Genetics (formerly Invitae), Labcorp
Classification: Uncertain significance. Last evaluated: 2021-10-10. Review status: criteria provided, single submitter. Criteria: Invitae Variant Classification Sherloc (09022015). Collection method: clinical testing. Allele origin: germline.
Comment: In summary, the available evidence is currently insufficient to determine the role of this variant in disease. Therefore, it has been classified as a Variant of Uncertain Significance. Advanced modeling of protein sequence and biophysical properties (such as structural, functional, and spatial information, amino acid conservation, physicochemical variation, residue mobility, and thermodynamic stability) performed at Invitae indicates that this missense variant is not expected to disrupt ROR2 protein function. This variant has not been reported in the literature in individuals affected with ROR2-related conditions. This variant is present in population databases (rs778811682, ExAC 0.002%). This sequence change replaces valine with methionine at codon 909 of the ROR2 protein (p.Val909Met). The valine residue is highly conserved and there is a small physicochemical difference between valine and methionine.

NM_004560.4(ROR2):c.2725G>A (p.Val909Met)

Gene: ROR2 (receptor tyrosine kinase like orphan receptor 2; minus strand). Cytogenetic location: 9q22.31.
Variant type: single nucleotide variant.
Coding change: c.2725G>A on transcript NM_004560.4 (MANE Select); coding-DNA position 2725, G replaced by A.
Protein change: p.Val909Met; replaces valine 909 with methionine.
Molecular consequence: missense variant.
Genome position (GRCh38, 1-based): chr9:91,723,769, C>T on the plus strand (G>A on the coding strand, the complement: ROR2 is on the minus strand). VCF-style: chr9-91723769-C-T. GRCh37 (hg19) VCF-style: chr9-94486051-C-T.
Other names: c.2725G>A (NM_004560.3); short protein forms V909M.
Identifiers: ClinVar variation 1443599 (VCV001443599.7), dbSNP rs778811682, ClinGen allele CA5120323.